The following is an entry in ClinVar:

NM_000038.6(APC):c.3357T>C (p.His1119=)

Gene: APC (APC regulator of Wnt signaling pathway; plus strand). Cytogenetic location: 5q22.2.
Variant type: single nucleotide variant.
Coding change: c.3357T>C on transcript NM_000038.6 (MANE Select); coding-DNA position 3357, T replaced by C.
Protein change: p.His1119=; no amino-acid change (histidine 1119 retained).
Molecular consequence: synonymous variant.
Genome position (GRCh38, 1-based): chr5:112,838,951, T>C. VCF-style: chr5-112838951-T-C. GRCh37 (hg19) VCF-style: chr5-112174648-T-C.
Other names: c.3357T>C, p.His1119= (NM_001127510.3, NM_001354895.2); c.3303T>C, p.His1101= (NM_001127511.3); c.3411T>C, p.His1137= (NM_001354896.2); c.3387T>C, p.His1129= (NM_001354897.2); c.3282T>C, p.His1094= (NM_001354898.2); c.3273T>C, p.His1091= (NM_001354899.2); c.3234T>C, p.His1078= (NM_001354900.2); c.3180T>C, p.His1060= (NM_001354901.2); and 5 more.
Identifiers: ClinVar variation 482485 (VCV000482485.19), dbSNP rs1554084963, ClinGen allele CA445963662.
Genomic context (GRCh38, chr5:112,838,951, plus strand): 5'-TTCTCCATACAGGTCACGGGGAGCCAATGGTTCAGAAACAAATCGAGTGGGTTCTAATCA[T>C]GGAATTAATCAAAATGTAAGCCAGTCTTTGTGTCAAGAAGATGACTATGAAGATGATAAG-3'
Protein context (NP_000029.2, residues 1109-1129): GSETNRVGSN[His1119=]GINQNVSQSL

ClinVar aggregate classification (germline): Benign/Likely benign. Review status: criteria provided, multiple submitters, no conflicts (2 of 4 stars). 4 submissions from 4 submitters: Benign (1); Likely benign (3). Last evaluated 2024-03-18.

Conditions:
Hereditary cancer-predisposing syndrome. Also called: Neoplastic Syndromes, Hereditary; Tumor predisposition; Hereditary Cancer Syndrome; Hereditary neoplastic syndrome. Identifiers: Orphanet 140162, MedGen C0027672, MeSH D009386, MONDO:0015356.
Familial adenomatous polyposis 1 (FAP1). Also called: FAMILIAL ADENOMATOUS POLYPOSIS 1, ATTENUATED; POLYPOSIS, ADENOMATOUS INTESTINAL. Identifiers: MedGen C2713442, MONDO:0021056, OMIM 175100. Disease mechanism: loss of function.

gnomAD v4.1: 1 of 1,614,072 alleles (0.000062%); no homozygotes.

Submissions (4):

Myriad Genetics, Inc.
Classification: Benign for Familial adenomatous polyposis 1. Last evaluated: 2024-03-18. Review status: criteria provided, single submitter. Criteria: Myriad Autosomal Dominant, Autosomal Recessive and X-Linked Classification Criteria (2023). Collection method: clinical testing. Allele origin: unknown.
Comment: This variant is considered benign. This variant is a silent/synonymous amino acid change and it is not expected to impact splicing.

Labcorp Genetics (formerly Invitae), Labcorp
Classification: Likely benign for Familial adenomatous polyposis 1. Last evaluated: 2022-10-07. Review status: criteria provided, single submitter. Criteria: Invitae Variant Classification Sherloc (09022015). Collection method: clinical testing. Allele origin: germline.

Color Diagnostics, LLC DBA Color Health
Classification: Likely benign for Hereditary cancer-predisposing syndrome. Last evaluated: 2019-10-11. Review status: criteria provided, single submitter. Criteria: ACMG Guidelines, 2015. Collection method: clinical testing. Allele origin: germline.

Ambry Genetics
Classification: Likely benign for Hereditary cancer-predisposing syndrome. Last evaluated: 2017-06-12. Review status: criteria provided, single submitter. Criteria: Ambry Variant Classification Scheme 2023. Collection method: clinical testing. Allele origin: germline.